The following is an entry in ClinVar:

ClinVar aggregate classification (germline): Uncertain significance. Review status: criteria provided, multiple submitters, no conflicts (2 of 4 stars). 2 submissions from 2 submitters: Uncertain significance (2). Last evaluated 2024-10-24.

Allele frequency attached by ClinVar (database versions not stated): gnomAD exomes 0.00002 and 0.00003; gnomAD 0.00003; TOPMed 0.00003; ExAC 0.00004.

Submissions (2):

Labcorp Genetics (formerly Invitae), Labcorp
Classification: Uncertain significance. Last evaluated: 2024-10-24. Review status: criteria provided, single submitter. Criteria: Invitae Variant Classification Sherloc (09022015). Collection method: clinical testing. Allele origin: germline.
Comment: This sequence change replaces valine, which is neutral and non-polar, with isoleucine, which is neutral and non-polar, at codon 191 of the GNAT2 protein (p.Val191Ile). This variant is present in population databases (rs759910267, gnomAD 0.006%). This variant has not been reported in the literature in individuals affected with GNAT2-related conditions. ClinVar contains an entry for this variant (Variation ID: 953089). Invitae Evidence Modeling of protein sequence and biophysical properties (such as structural, functional, and spatial information, amino acid conservation, physicochemical variation, residue mobility, and thermodynamic stability) indicates that this missense variant is not expected to disrupt GNAT2 protein function with a negative predictive value of 80%. In summary, the available evidence is currently insufficient to determine the role of this variant in disease. Therefore, it has been classified as a Variant of Uncertain Significance.

Blueprint Genetics
Classification: Uncertain significance. Last evaluated: 2023-04-20. Review status: criteria provided, single submitter. Criteria: ACMG Guidelines, 2015. Collection method: clinical testing. Allele origin: germline.

NM_001377295.2(GNAT2):c.571G>A (p.Val191Ile)

Gene: GNAT2 (G protein subunit alpha transducin 2; minus strand). Cytogenetic location: 1p13.3.
Variant type: single nucleotide variant.
Coding change: c.571G>A on transcript NM_001377295.2 (MANE Select); coding-DNA position 571, G replaced by A.
Protein change: p.Val191Ile; replaces valine 191 with isoleucine.
Molecular consequence: missense variant.
Genome position (GRCh38, 1-based): chr1:109,606,327, C>T on the plus strand (G>A on the coding strand, the complement: GNAT2 is on the minus strand). VCF-style: chr1-109606327-C-T. GRCh37 (hg19) VCF-style: chr1-110148949-C-T.
Other names: c.571G>A, p.Val191Ile (NM_001379232.1, NM_005272.5); short protein forms V191I.
Identifiers: ClinVar variation 953089 (VCV000953089.7), dbSNP rs759910267, ClinGen allele CA992388.